The following is an entry in ClinVar:

NM_032043.3(BRIP1):c.1571A>C (p.Gln524Pro)

Gene: BRIP1 (BRCA1 interacting DNA helicase 1; minus strand). Cytogenetic location: 17q23.2.
Variant type: single nucleotide variant.
Coding change: c.1571A>C on transcript NM_032043.3 (MANE Select); coding-DNA position 1571, A replaced by C.
Protein change: p.Gln524Pro; replaces glutamine 524 with proline.
Molecular consequence: missense variant.
Genome position (GRCh38, 1-based): chr17:61,784,327, T>G on the plus strand (A>C on the coding strand, the complement: BRIP1 is on the minus strand). VCF-style: chr17-61784327-T-G. GRCh37 (hg19) VCF-style: chr17-59861688-T-G.
Other names: short protein forms Q524P.
Identifiers: ClinVar variation 407816 (VCV000407816.9), dbSNP rs587781726, ClinGen allele CA16615843.
Genomic context (GRCh38, chr17:61,784,327, plus strand): 5'-TACCTGCTATTTTGCCTAAAAAGATAGTCAAGTACCATAAAAAGTCCTTTAAGCATTATT[T>G]GAGTTGATGCACTAATAACAGGTACTTCTCTTGCCTCCTCTTTACCATAAATTGGTGAGA-3'
Protein context (NP_114432.2, residues 514-534): REVPVISAST[Gln524Pro]IMLKGLFMVL

ClinVar aggregate classification (germline): Uncertain significance (1 of 4 stars; one submission).

Conditions:
Familial cancer of breast. Also called: Hereditary breast cancer; hereditary breast carcinoma; BREAST CANCER, FAMILIAL. Identifiers: Orphanet 227535, MedGen C0346153, MONDO:0016419, OMIM 114480. Disease mechanism: loss of function.
Fanconi anemia complementation group J. Also called: BRIP1-Related Fanconi Anemia. Identifiers: Orphanet 84, MedGen C1836860, MONDO:0012187, OMIM 609054.

Submission:

Labcorp Genetics (formerly Invitae), Labcorp
Classification: Uncertain significance for Familial cancer of breast; Fanconi anemia complementation group J. Last evaluated: 2016-11-16. Review status: criteria provided, single submitter. Criteria: Invitae Variant Classification Sherloc (09022015). Collection method: clinical testing. Allele origin: germline.
Comment: In summary, this variant is a novel missense change that is not predicted to affect protein function. There is no indication that it causes disease, but the available evidence is currently insufficient to prove that conclusively. Therefore, it has been classified as a Variant of Uncertain Significance. Algorithms developed to predict the effect of missense changes on protein structure and function (SIFT, PolyPhen-2, Align-GVGD) all suggest that this variant is likely to be tolerated, but these predictions have not been confirmed by published functional studies. This variant is not present in population databases (ExAC no frequency) and has not been reported in the literature in individuals with a BRIP1-related disease. This sequence change replaces glutamine with proline at codon 524 of the BRIP1 protein (p.Gln524Pro). The glutamine residue is highly conserved and there is a moderate physicochemical difference between glutamine and proline.